The following is an entry in ClinVar:

ClinVar aggregate classification (germline): Uncertain significance. Review status: criteria provided, multiple submitters, no conflicts (2 of 4 stars). 2 submissions from 2 submitters: Uncertain significance (2). Last evaluated 2024-09-23.

Conditions:
Aortic aneurysm, familial thoracic 7 (AAT7). Also called: AORTIC DISSECTION, FAMILIAL, WITH OR WITHOUT AORTIC ANEURYSM. Identifiers: MedGen C3151077, MONDO:0013418, OMIM 613780.

Allele frequency attached by ClinVar (database versions not stated): gnomAD 0.00001; TOPMed 0.00002.
gnomAD v4.1: 1 of 1,613,870 alleles (0.000062%); highest among the groups gnomAD compares: African/African-American, 0.0013%; no homozygotes.

Submissions (2):

Women's Health and Genetics/Laboratory Corporation of America, LabCorp
Classification: Uncertain significance. Last evaluated: 2024-09-23. Review status: criteria provided, single submitter. Criteria: LabCorp Variant Classification Summary - May 2015. Collection method: clinical testing. Allele origin: germline.
Comment: Variant summary: MYLK c.1352G>T (p.Gly451Val) results in a non-conservative amino acid change located in the Immunoglobulin subtype 2 domain (IPR003598) of the encoded protein sequence. Two of four in-silico tools predict a benign effect of the variant on protein function. The variant was absent in 250360 control chromosomes. The available data on variant occurrences in the general population are insufficient to allow any conclusion about variant significance. To our knowledge, no occurrence of c.1352G>T in individuals affected with Aortopathy and no experimental evidence demonstrating its impact on protein function have been reported. No submitters have cited clinical-significance assessments for this variant to ClinVar. Based on the evidence outlined above, the variant was classified as uncertain significance.

Labcorp Genetics (formerly Invitae), Labcorp
Classification: Uncertain significance for Aortic aneurysm, familial thoracic 7. Last evaluated: 2023-10-20. Review status: criteria provided, single submitter. Criteria: Invitae Variant Classification Sherloc (09022015). Collection method: clinical testing. Allele origin: germline.
Comment: This sequence change replaces glycine, which is neutral and non-polar, with valine, which is neutral and non-polar, at codon 451 of the MYLK protein (p.Gly451Val). This variant is present in population databases (no rsID available, gnomAD 0.01%). This variant has not been reported in the literature in individuals affected with MYLK-related conditions. Advanced modeling of protein sequence and biophysical properties (such as structural, functional, and spatial information, amino acid conservation, physicochemical variation, residue mobility, and thermodynamic stability) performed at Invitae indicates that this missense variant is not expected to disrupt MYLK protein function. In summary, the available evidence is currently insufficient to determine the role of this variant in disease. Therefore, it has been classified as a Variant of Uncertain Significance.

NM_053025.4(MYLK):c.1352G>T (p.Gly451Val)

Gene: MYLK (myosin light chain kinase; minus strand). Cytogenetic location: 3q21.1.
Variant type: single nucleotide variant.
Coding change: c.1352G>T on transcript NM_053025.4 (MANE Select); coding-DNA position 1352, G replaced by T.
Protein change: p.Gly451Val; replaces glycine 451 with valine.
Molecular consequence: missense variant. On other transcripts: intron variant (2).
Genome position (GRCh38, 1-based): chr3:123,733,060, C>A on the plus strand (G>T on the coding strand, the complement: MYLK is on the minus strand). VCF-style: chr3-123733060-C-A. GRCh37 (hg19) VCF-style: chr3-123451907-C-A.
Other names: c.824G>T, p.Gly275Val (NM_001321309.2); c.1352G>T, p.Gly451Val (NM_053027.4); c.1309+627G>T (NM_053028.4, NM_053026.4); short protein forms G451V, G275V.
Identifiers: ClinVar variation 2740846 (VCV002740846.4), dbSNP rs951341333, ClinGen allele CA82942624.
Genomic context (GRCh38, chr3:123,733,060, plus strand): 5'-TAATGGGAGCCAGCATCTTCATAAACCTCAATGCTGCCTTCCTGTCTCCTCACGGGGGTG[C>A]CTTCCAGGAACCAGGCCACTTCAGGCTTTGGAATCCCGGAAACTACAGGGCCAGGTAAAG-3'
Protein context (NP_444253.3, residues 441-461): PKPEVAWFLE[Gly451Val]TPVRRQEGSI